The following is an entry in ClinVar:

ClinVar aggregate classification (germline): Uncertain significance (1 of 4 stars; one submission).

Submission:

Ambry Genetics
Classification: Uncertain significance. Last evaluated: 2025-02-27. Review status: criteria provided, single submitter. Criteria: Ambry Variant Classification Scheme 2023. Collection method: clinical testing. Allele origin: germline.
Comment: The p.I452T variant (also known as c.1355T>C), located in coding exon 12 of the GEN1 gene, results from a T to C substitution at nucleotide position 1355. The isoleucine at codon 452 is replaced by threonine, an amino acid with similar properties. This amino acid position is conserved. In addition, this alteration is predicted to be tolerated by in silico analysis. Based on the available evidence, the clinical significance of this variant remains unclear.

NM_001130009.3(GEN1):c.1355T>C (p.Ile452Thr)

Gene: GEN1 (GEN1 Holliday junction 5' flap endonuclease; plus strand). Cytogenetic location: 2p24.2.
Variant type: single nucleotide variant.
Coding change: c.1355T>C on transcript NM_001130009.3 (MANE Select); coding-DNA position 1355, T replaced by C.
Protein change: p.Ile452Thr; replaces isoleucine 452 with threonine.
Molecular consequence: missense variant.
Genome position (GRCh38, 1-based): chr2:17,780,068, T>C. VCF-style: chr2-17780068-T-C. GRCh37 (hg19) VCF-style: chr2-17961335-T-C.
Other names: c.1355T>C, p.Ile452Thr (NM_182625.5); short protein forms I452T.
Identifiers: ClinVar variation 3853601 (VCV003853601.1).